The following is an entry in ClinVar:

ClinVar aggregate classification (germline): Pathogenic (1 of 4 stars; one submission).

Submission:

GeneDx
Classification: Pathogenic. Last evaluated: 2016-08-15. Review status: criteria provided, single submitter. Criteria: GeneDx Variant Classification (06012015). Collection method: clinical testing. Allele origin: germline. Affected: yes.
Comment: The W551X variant in the ANKRD11 gene has not been reported previously as a pathogenic variant nor as a benign variant, to our knowledge. This variant is predicted to cause loss of normal protein function either through protein truncation or nonsense-mediated mRNA decay. The W551X variant was not observed in approximately 6,500 individuals of European and African American ancestry in the NHLBI Exome Sequencing Project, indicating it is not a common benign variant in these populations. Based on currently available evidence, we interpret W551X as a pathogenic variant.

NM_013275.6(ANKRD11):c.1652G>A (p.Trp551Ter)

Gene: ANKRD11 (ankyrin repeat domain containing 11; minus strand). Cytogenetic location: 16q24.3.
Variant type: single nucleotide variant.
Coding change: c.1652G>A on transcript NM_013275.6 (MANE Select); coding-DNA position 1652, G replaced by A.
Protein change: p.Trp551Ter; replaces tryptophan 551 with a stop codon.
Molecular consequence: nonsense.
Genome position (GRCh38, 1-based): chr16:89,284,890, C>T on the plus strand (G>A on the coding strand, the complement: ANKRD11 is on the minus strand). VCF-style: chr16-89284890-C-T. GRCh37 (hg19) VCF-style: chr16-89351298-C-T.
Other names: c.1652G>A, p.Trp551Ter (NM_001256182.2, NM_001256183.2); short protein forms W551*.
Identifiers: ClinVar variation 265665 (VCV000265665.2), dbSNP rs886039713, ClinGen allele CA10588635.